The following is an entry in ClinVar:

ClinVar aggregate classification (germline): Uncertain significance (1 of 4 stars; one submission).

Submission:

Labcorp Genetics (formerly Invitae), Labcorp
Classification: Uncertain significance. Last evaluated: 2024-04-27. Review status: criteria provided, single submitter. Criteria: Invitae Variant Classification Sherloc (09022015). Collection method: clinical testing. Allele origin: germline.
Comment: This sequence change replaces asparagine, which is neutral and polar, with lysine, which is basic and polar, at codon 282 of the EMC1 protein (p.Asn282Lys). This variant is not present in population databases (gnomAD no frequency). This variant has not been reported in the literature in individuals affected with EMC1-related conditions. Advanced modeling of protein sequence and biophysical properties (such as structural, functional, and spatial information, amino acid conservation, physicochemical variation, residue mobility, and thermodynamic stability) performed at Invitae indicates that this missense variant is not expected to disrupt EMC1 protein function with a negative predictive value of 80%. In summary, the available evidence is currently insufficient to determine the role of this variant in disease. Therefore, it has been classified as a Variant of Uncertain Significance.

NM_015047.3(EMC1):c.846C>A (p.Asn282Lys)

Genes: EMC1 (ER membrane protein complex subunit 1; minus strand), EMC1-AS1 (EMC1 antisense RNA 1; plus strand). Cytogenetic location: 1p36.13.
Variant type: single nucleotide variant.
Coding change: c.846C>A on transcript NM_015047.3 (MANE Select); coding-DNA position 846, C replaced by A.
Protein change: p.Asn282Lys; replaces asparagine 282 with lysine.
Molecular consequence: missense variant.
Genome position (GRCh38, 1-based): chr1:19,239,926, G>T on the plus strand (C>A on the coding strand, the complement: EMC1 is on the minus strand). VCF-style: chr1-19239926-G-T. GRCh37 (hg19) VCF-style: chr1-19566420-G-T.
Other names: c.846C>A, p.Asn282Lys (NM_001271427.2, NM_001271428.2, NM_001375820.1 and 1 more transcripts); c.780C>A, p.Asn260Lys (NM_001271429.2); short protein forms N260K, N282K.
Identifiers: ClinVar variation 3674723 (VCV003674723.2).